The following is an entry in ClinVar:

NM_001135629.3(PPP1R21):c.154T>C (p.Leu52=)

Gene: PPP1R21 (protein phosphatase 1 regulatory subunit 21; plus strand). Cytogenetic location: 2p16.3.
Variant type: single nucleotide variant.
Coding change: c.154T>C on transcript NM_001135629.3 (MANE Select); coding-DNA position 154, T replaced by C.
Protein change: p.Leu52=; no amino-acid change (leucine 52 retained).
Molecular consequence: synonymous variant. On other transcripts: non-coding transcript variant (1).
Genome position (GRCh38, 1-based): chr2:48,454,622, T>C. VCF-style: chr2-48454622-T-C. GRCh37 (hg19) VCF-style: chr2-48681761-T-C.
Other names: c.154T>C, p.Leu52= (NM_001193475.2, NM_152994.5).
Identifiers: ClinVar variation 3040034 (VCV003040034.2), dbSNP rs567807021, ClinGen allele CA1650721.

ClinVar aggregate classification (germline): Likely benign (0 of 4 stars; one submission).

Conditions:
PPP1R21-related disorder. Also called: PPP1R21-related condition.

Allele frequency attached by ClinVar (database versions not stated): gnomAD exomes 0.00006; ExAC 0.00007; gnomAD 0.00009; TOPMed 0.00010; 1000 Genomes Project 30x 0.00016; 1000 Genomes Project 0.00020.
gnomAD v4.1: 108 of 1,614,120 alleles (0.0067%); highest among the groups gnomAD compares: South Asian, 0.015%; no homozygotes.

Submission:

PreventionGenetics, part of Exact Sciences
Classification: Likely benign for PPP1R21-related condition. Last evaluated: 2019-09-10. Review status: no assertion criteria provided. Collection method: clinical testing. Allele origin: germline.
Comment: This variant is classified as likely benign based on ACMG/AMP sequence variant interpretation guidelines (Richards et al. 2015 PMID: 25741868, with internal and published modifications).